The following is an entry in ClinVar:

NM_013254.4(TBK1):c.1148G>T (p.Ser383Ile)

Gene: TBK1 (TANK binding kinase 1; plus strand). Cytogenetic location: 12q14.2.
Variant type: single nucleotide variant.
Coding change: c.1148G>T on transcript NM_013254.4 (MANE Select); coding-DNA position 1148, G replaced by T.
Protein change: p.Ser383Ile; replaces serine 383 with isoleucine.
Molecular consequence: missense variant.
Genome position (GRCh38, 1-based): chr12:64,484,458, G>T. VCF-style: chr12-64484458-G-T. GRCh37 (hg19) VCF-style: chr12-64878238-G-T.
Other names: c.1148G>T, p.Ser383Ile (LRG_1306t1); short protein forms S383I.
Identifiers: ClinVar variation 645888 (VCV000645888.8), dbSNP rs1592369002, ClinGen allele CA385600367.

ClinVar aggregate classification (germline): Uncertain significance (1 of 4 stars; one submission).

Conditions:
Frontotemporal dementia and/or amyotrophic lateral sclerosis 4. Also called: FTDALS4. Identifiers: Orphanet 275872, MedGen C4225325, MONDO:0014641, OMIM 616439.

Allele frequency attached by ClinVar (database versions not stated): gnomAD exomes below 0.00001.
gnomAD v4.1: 1 of 1,613,520 alleles (0.000062%); highest among the groups gnomAD compares: Non-Finnish European, 0.000085%; no homozygotes.

Submission:

Labcorp Genetics (formerly Invitae), Labcorp
Classification: Uncertain significance for Frontotemporal dementia and/or amyotrophic lateral sclerosis 4. Last evaluated: 2024-07-23. Review status: criteria provided, single submitter. Criteria: Invitae Variant Classification Sherloc (09022015). Collection method: clinical testing. Allele origin: germline.
Comment: This sequence change replaces serine, which is neutral and polar, with isoleucine, which is neutral and non-polar, at codon 383 of the TBK1 protein (p.Ser383Ile). This variant is not present in population databases (gnomAD no frequency). This variant has not been reported in the literature in individuals affected with TBK1-related conditions. ClinVar contains an entry for this variant (Variation ID: 645888). Advanced modeling of protein sequence and biophysical properties (such as structural, functional, and spatial information, amino acid conservation, physicochemical variation, residue mobility, and thermodynamic stability) performed at Invitae indicates that this missense variant is not expected to disrupt TBK1 protein function with a negative predictive value of 95%. In summary, the available evidence is currently insufficient to determine the role of this variant in disease. Therefore, it has been classified as a Variant of Uncertain Significance.